The following is an entry in ClinVar:

NM_000246.4(CIITA):c.482-162C>T

Gene: CIITA (class II major histocompatibility complex transactivator; plus strand). Cytogenetic location: 16p13.13.
Variant type: single nucleotide variant.
Coding change: c.482-162C>T on transcript NM_000246.4 (MANE Select); 162 bases into the intron before coding-DNA position 482, C replaced by T.
Molecular consequence: intron variant.
Genome position (GRCh38, 1-based): chr16:10,901,876, C>T. VCF-style: chr16-10901876-C-T. GRCh37 (hg19) VCF-style: chr16-10995733-C-T.
Other names: c.485-162C>T (NM_001286402.1, NM_001379332.1); c.484+318C>T (NM_001379330.1); c.482-162C>T (NM_001379333.1); c.481+318C>T (NM_001379331.1, NM_001286403.2); c.413-162C>T (NM_001379334.1).
Identifiers: ClinVar variation 103009 (VCV000103009.2), dbSNP rs199476064, ClinGen allele CA229987.

ClinVar aggregate classification (germline): not provided (0 of 4 stars; one submission).

Submission:

Human Evolutionary Genetics, Institut Pasteur
No classification provided. Review status: no classification provided. Collection method: not provided. Allele origin: germline.
ClinVar note: Converted during submission from untested to not provided.